The following is an entry in ClinVar:

ClinVar aggregate classification (germline): Uncertain significance (1 of 4 stars; one submission).

Conditions:
Congenital contractural arachnodactyly (CCA). Also called: Arthrogryposis, distal, type 9; Beals-Hecht syndrome; BEALS SYNDROME. Identifiers: Orphanet 115, MedGen C0220668, MONDO:0007363, OMIM 121050.

gnomAD v4.1: 1 of 1,613,738 alleles (0.000062%); highest among the groups gnomAD compares: Non-Finnish European, 0.000085%; no homozygotes.

Submission:

Labcorp Genetics (formerly Invitae), Labcorp
Classification: Uncertain significance for Congenital contractural arachnodactyly. Last evaluated: 2021-12-21. Review status: criteria provided, single submitter. Criteria: Invitae Variant Classification Sherloc (09022015). Collection method: clinical testing. Allele origin: germline.
Comment: This variant has not been reported in the literature in individuals affected with FBN2-related conditions. This variant is not present in population databases (gnomAD no frequency). This sequence change replaces valine, which is neutral and non-polar, with leucine, which is neutral and non-polar, at codon 88 of the FBN2 protein (p.Val88Leu). Advanced modeling of protein sequence and biophysical properties (such as structural, functional, and spatial information, amino acid conservation, physicochemical variation, residue mobility, and thermodynamic stability) performed at Invitae indicates that this missense variant is not expected to disrupt FBN2 protein function. In summary, the available evidence is currently insufficient to determine the role of this variant in disease. Therefore, it has been classified as a Variant of Uncertain Significance.

NM_001999.4(FBN2):c.262G>C (p.Val88Leu)

Gene: FBN2 (fibrillin 2; minus strand). Cytogenetic location: 5q23.3.
Variant type: single nucleotide variant.
Coding change: c.262G>C on transcript NM_001999.4 (MANE Select); coding-DNA position 262, G replaced by C.
Protein change: p.Val88Leu; replaces valine 88 with leucine.
Molecular consequence: missense variant.
Genome position (GRCh38, 1-based): chr5:128,536,477, C>G on the plus strand (G>C on the coding strand, the complement: FBN2 is on the minus strand). VCF-style: chr5-128536477-C-G. GRCh37 (hg19) VCF-style: chr5-127872170-C-G.
Other names: short protein forms V88L.
Identifiers: ClinVar variation 2051781 (VCV002051781.4), dbSNP rs1220181392, ClinGen allele CA360761526.